The following is an entry in ClinVar:

ClinVar aggregate classification (germline): Pathogenic (1 of 4 stars; one submission).

Conditions:
Neurofibromatosis, type 1 (NF1). Also called: VON RECKLINGHAUSEN DISEASE; Peripheral type neurofibromatosis; NEUROFIBROMATOSIS, TYPE I, SOMATIC; Neurofibromatosis, type I. Identifiers: Orphanet 636, MedGen C0027831, MONDO:0018975, OMIM 162200. Disease mechanism: loss of function.

Submission:

Labcorp Genetics (formerly Invitae), Labcorp
Classification: Pathogenic for Neurofibromatosis, type 1. Last evaluated: 2026-01-13. Review status: criteria provided, single submitter. Criteria: Invitae Variant Classification Sherloc (09022015). Collection method: clinical testing. Allele origin: germline.
Comment: This sequence change creates a premature translational stop signal (p.Ile275Asnfs*16) in the NF1 gene. It is expected to result in an absent or disrupted protein product. Loss-of-function variants in NF1 are known to be pathogenic (PMID: 10712197, 23913538). This variant is not present in population databases (gnomAD no frequency). This variant has not been reported in the literature in individuals affected with NF1-related conditions. For these reasons, this variant has been classified as Pathogenic.

Literature cited by the submitters: PubMed 10712197; PubMed 23913538.

NM_001042492.3(NF1):c.823dup (p.Ile275fs)

Gene: NF1 (neurofibromin 1; plus strand). Cytogenetic location: 17q11.2.
Variant type: Duplication.
Coding change: c.823dup on transcript NM_001042492.3 (MANE Select); coding-DNA position 823, one base duplicated (A; older notation c.823dupA).
Protein change: p.Ile275fs; shifts the reading frame from isoleucine 275.
Molecular consequence: frameshift variant.
Genome position (GRCh38, 1-based): chr17:31,182,600, A duplicated. VCF-style (leftmost placement, unchanged base first): chr17-31182599-T-TA. GRCh37 (hg19) VCF-style: chr17-29509617-T-TA.
Other names: c.823dup, p.Ile275fs (NM_000267.4, NM_001128147.3); short protein forms I275fs.
Identifiers: ClinVar variation 4731703 (VCV004731703.1).
Genomic context (GRCh38, chr17:31,182,599, plus strand): 5'-TGGTTTTGCTGAAAGCACCAAACGTAAAGCAGCAGTTTGGCCACTACAAATCATTCTCCT[T>TA]ATCTTGTGTCCAGAAATAATCCAGGATATATCCAAAGACGTGGTTGATGAAAACAACATG-3'